The following is an entry in ClinVar:

ClinVar aggregate classification (germline): Uncertain significance. Review status: criteria provided, multiple submitters, no conflicts (2 of 4 stars). 2 submissions from 2 submitters: Uncertain significance (2). Last evaluated 2024-03-20.

Conditions:
Intellectual developmental disorder, autosomal dominant 56. Also called: MENTAL RETARDATION, AUTOSOMAL DOMINANT 56; Intellectual disability, autosomal dominant 56. Identifiers: MedGen C4693389, MONDO:0030922, OMIM 617854.

Submissions (2):

Baylor Genetics
Classification: Uncertain significance for Intellectual developmental disorder, autosomal dominant 56. Last evaluated: 2024-03-20. Review status: criteria provided, single submitter. Criteria: ACMG Guidelines, 2015. Collection method: clinical testing. Allele origin: unknown.

GeneDx
Classification: Uncertain significance. Last evaluated: 2023-11-20. Review status: criteria provided, single submitter. Criteria: GeneDx Variant Classification Process June 2021. Collection method: clinical testing. Allele origin: germline. Affected: yes.
Comment: Not observed at significant frequency in large population cohorts (gnomAD); In silico analysis supports that this missense variant has a deleterious effect on protein structure/function; Has not been previously published as pathogenic or benign to our knowledge

NM_004859.4(CLTC):c.4080A>C (p.Glu1360Asp)

Genes: CLTC (clathrin heavy chain; plus strand), LOC126862609 (CDK7 strongly-dependent group 2 enhancer GRCh37_chr17:57760547-57761746; plus strand). Cytogenetic location: 17q23.1.
Variant type: single nucleotide variant.
Coding change: c.4080A>C on transcript NM_004859.4 (MANE Select); coding-DNA position 4080, A replaced by C.
Protein change: p.Glu1360Asp; replaces glutamic acid 1360 with aspartic acid.
Molecular consequence: missense variant.
Genome position (GRCh38, 1-based): chr17:59,683,425, A>C. VCF-style: chr17-59683425-A-C. GRCh37 (hg19) VCF-style: chr17-57760786-A-C.
Other names: c.4092A>C, p.Glu1364Asp (NM_001288653.2); c.4092A>C (NM_001288653.1); short protein forms E1360D, E1364D.
Identifiers: ClinVar variation 3237525 (VCV003237525.2), dbSNP rs2509154692.